The following is an entry in ClinVar:

ClinVar aggregate classification (germline): Pathogenic. Review status: criteria provided, multiple submitters, no conflicts (2 of 4 stars). 6 submissions from 6 submitters: Pathogenic (6). Last evaluated 2022-09-27.

Conditions:
Hereditary cancer-predisposing syndrome. Also called: Hereditary neoplastic syndrome; Neoplastic Syndromes, Hereditary; Tumor predisposition; Hereditary Cancer Syndrome. Identifiers: Orphanet 140162, MedGen C0027672, MeSH D009386, MONDO:0015356.
Hereditary breast ovarian cancer syndrome. Also called: Hereditary breast and ovarian cancer syndrome (HBOC); Hereditary breast and ovarian cancer; Hereditary breast and ovarian cancer syndrome; Breast and ovarian cancer; Hereditary breast and/or ovarian cancer syndrome; BRCA1- and BRCA2-Associated Hereditary Breast and Ovarian Cancer. Identifiers: Orphanet 145, MedGen C0677776, MeSH D061325, MONDO:0003582. Disease mechanism: loss of function.

Submissions (6):

Women's Health and Genetics/Laboratory Corporation of America, LabCorp
Classification: Pathogenic for Hereditary breast ovarian cancer syndrome. Last evaluated: 2022-09-27. Review status: criteria provided, single submitter. Criteria: LabCorp Variant Classification Summary - May 2015. Collection method: clinical testing. Allele origin: germline.
Comment: Variant summary: BRCA2 c.7617+1G>C is located in a canonical splice-site and is predicted to affect mRNA splicing resulting in a significantly altered protein due to either exon skipping, shortening, or inclusion of intronic material. Several computational tools predict a significant impact on normal splicing: Four predict the variant abolishes a 5 prime splicing donor site. However, these predictions have yet to be confirmed by functional studies. The variant was absent in 250476 control chromosomes. To our knowledge, no occurrence of c.7617+1G>C in individuals affected with Hereditary Breast And Ovarian Cancer Syndrome and no experimental evidence demonstrating its impact on protein function have been reported. However, c.7617+1G>A and c.7617+1G>T have been reported to associate with breast cancer. Two clinical diagnostic laboratories have submitted clinical-significance assessments for this variant to ClinVar after 2014 without evidence for independent evaluation. Both laboratories classified the variant as pathogenic. Based on the evidence outlined above, the variant was classified as pathogenic.

Labcorp Genetics (formerly Invitae), Labcorp
Classification: Pathogenic for Hereditary breast ovarian cancer syndrome. Last evaluated: 2022-08-27. Review status: criteria provided, single submitter. Criteria: Invitae Variant Classification Sherloc (09022015). Collection method: clinical testing. Allele origin: germline.
Comment: This sequence change affects a donor splice site in intron 15 of the BRCA2 gene. It is expected to disrupt RNA splicing. Variants that disrupt the donor or acceptor splice site typically lead to a loss of protein function (PMID: 16199547), and loss-of-function variants in BRCA2 are known to be pathogenic (PMID: 20104584). This variant is not present in population databases (gnomAD no frequency). Disruption of this splice site has been observed in individual(s) with breast and/or ovarian cancer (PMID: 16683254, 21184276, 29446198). ClinVar contains an entry for this variant (Variation ID: 246251). Studies have shown that disruption of this splice site alters mRNA splicing and is expected to lead to the loss of protein expression (PMID: 22505045, 31191615). For these reasons, this variant has been classified as Pathogenic.

Ambry Genetics
Classification: Pathogenic for Hereditary cancer-predisposing syndrome. Last evaluated: 2021-03-09. Review status: criteria provided, single submitter. Criteria: Ambry Variant Classification Scheme 2023. Collection method: clinical testing. Allele origin: germline.
Comment: The c.7617+1G>C intronic pathogenic mutation results from a G to C substitution one nucleotide after coding exon 14 of the BRCA2 gene. In silico splice site analysis predicts that this alteration will weaken the native splice donor site. RNA studies performed for other alterations at this donor site, c.7617+1G>A, c.7617+1G>T, and c.7617+2T>G, have demonstrated skipping of coding exon 14 (designated as exon 15 in the literature) (Bergthorsson JT et al. J. Med. Genet., 2001 Jun;38:361-8; Guti&eacute;rrez-Enr&iacute;quez S et al. Breast Cancer Res. Treat., 2009 Sep;117:461-5; Vreeswijk MP et al. Hum. Mutat., 2009 Jan;30:107-14; Thomassen M et al. Breast Cancer Res. Treat., 2011 Jul;128:179-85; Houdayer C et al. Hum. Mutat., 2012 Aug;33:1228-38; ; Hendriks G et al. Hum. Mutat., 2014 Nov;35:1382-91; Fraile-Bethencourt E et al. Front Genet, 2019 May;10:503). Alterations that disrupt the canonical splice site are expected to cause aberrant splicing, resulting in an abnormal protein or a transcript that is subject to nonsense-mediated mRNA decay. As such, this alteration is classified as a disease-causing mutation.

Laboratory for Molecular Medicine, Mass General Brigham Personalized Medicine
Classification: Pathogenic for Hereditary breast ovarian cancer syndrome. Last evaluated: 2020-06-19. Review status: criteria provided, single submitter. Criteria: ACMG Guidelines, 2015. Collection method: clinical testing. Allele origin: germline.
Comment: The c.7617+1G>C variant in BRCA2 has not been previously reported in individuals with hereditary breast/ovarian cancer (HBOC) and was absent from large population studies. This variant has been reported as pathogenic in ClinVar (Variation ID 246251). This variant occurs within the canonical splice site (+/- 1,2) and is predicted to cause altered splicing leading to an abnormal or absent protein. Loss of function of the BRCA2 gene is an established disease mechanism in autosomal dominant HBOC. Two other variants, c.7617+1G>A and c.7617+1G>T, resulting in the same canonical splice site interruption, have been identified in individuals with HBOC and reported to result inexon 15 skipping (van der Hout 2006, Thomassen 2011, Houdayer 2012, de Garibay 2014). In summary, this variant meets criteria to be classified as pathogenic for autosomal dominant HBOC. ACMG/AMP Criteria applied: PVS1_Strong, PM5_Strong, PM2.

Quest Diagnostics Nichols Institute San Juan Capistrano
Classification: Pathogenic. Last evaluated: 2019-07-23. Review status: criteria provided, single submitter. Criteria: Quest Diagnostics criteria. Collection method: clinical testing. Allele origin: unknown.
Comment: The BRCA2 c.7617+1G>C variant disrupts a canonical splice-donor site and interferes with normal BRCA2 mRNA splicing. This variant has not been reported in individuals with BRCA2-related conditions in the published literature. Based on the available information, this variant is classified as pathogenic.

GeneDx
Classification: Pathogenic. Last evaluated: 2015-12-16. Review status: criteria provided, single submitter. Criteria: GeneDx Variant Classification (06012015). Collection method: clinical testing. Allele origin: germline. Affected: yes.
Comment: This variant is denoted BRCA2 c.7617+1G>C or IVS15+1G>C and consists of a G>C nucleotide substitution at the +1 position of intron 15 of the BRCA2 gene. Using alternate nomenclature, this variant would be defined as BRCA2 7845+1G>C. This variant destroys a canonical splice donor site and is predicted to cause abnormal gene splicing, leading to either an abnormal message that is subject to nonsense-mediated mRNA decay or to an abnormal protein product. This variant has not, to our knowledge, been published in the literature. However, c.7617+1G>A and c.7617+1G>T have both been observed in individuals with familial breast and ovarian cancer and found to cause exon 15 skipping when functionally interrogated (van der Hout 2006, Thomassen 2011, Houdayer 2012, de Garibay 2014). Based on the current evidence, we consider BRCA2 c.7617+1G>C to be pathogenic.

Literature cited by the submitters: PubMed 16199547 (cited by Labcorp Genetics (formerly Invitae), Labcorp); PubMed 20104584 (cited by Labcorp Genetics (formerly Invitae), Labcorp); PubMed 16683254 (cited by Labcorp Genetics (formerly Invitae), Labcorp); PubMed 21184276 (cited by Labcorp Genetics (formerly Invitae), Labcorp); PubMed 29446198 (cited by Labcorp Genetics (formerly Invitae), Labcorp); PubMed 22505045 (cited by Labcorp Genetics (formerly Invitae), Labcorp); PubMed 31191615 (cited by Labcorp Genetics (formerly Invitae), Labcorp).

NM_000059.4(BRCA2):c.7617+1G>C

Gene: BRCA2 (BRCA2 DNA repair associated; plus strand). Cytogenetic location: 13q13.1.
Variant type: single nucleotide variant.
Coding change: c.7617+1G>C on transcript NM_000059.4 (MANE Select); the canonical splice donor site of the intron after coding-DNA position 7617, G replaced by C.
Molecular consequence: splice donor variant.
Genome position (GRCh38, 1-based): chr13:32,356,610, G>C. VCF-style: chr13-32356610-G-C. GRCh37 (hg19) VCF-style: chr13-32930747-G-C.
Other names: c.7617+1G>C (NM_001406720.1); c.7521+1G>C (NM_001406719.1); c.2685+1G>C (NM_001406721.1); c.1200+1G>C (NM_001406722.1).
Identifiers: ClinVar variation 246251 (VCV000246251.14), dbSNP rs397507922, ClinGen allele CA10584451.
Genomic context (GRCh38, chr13:32,356,610, plus strand): 5'-CGAATCTCTCTGAAAGCAGCAGTAGGAGGCCAAGTTCCCTCTGCGTGTTCTCATAAACAG[G>C]TATGTGTTTGTCTACAATACTGATGGCTTTTATGACAGAGTGTAATTTTATTTCATTAAC-3'